The following is an entry in ClinVar:

NM_018993.4(RIN2):c.1239G>T (p.Pro413=)

Gene: RIN2 (Ras and Rab interactor 2; plus strand). Cytogenetic location: 20p11.23.
Variant type: single nucleotide variant.
Coding change: c.1239G>T on transcript NM_018993.4 (MANE Select); coding-DNA position 1239, G replaced by T.
Protein change: p.Pro413=; no amino-acid change (proline 413 retained).
Molecular consequence: synonymous variant.
Genome position (GRCh38, 1-based): chr20:19,975,264, G>T. VCF-style: chr20-19975264-G-T. GRCh37 (hg19) VCF-style: chr20-19955908-G-T.
Other names: c.1386G>T, p.Pro462= (NM_001242581.2); c.621G>T, p.Pro207= (NM_001378238.1).
Identifiers: ClinVar variation 682283 (VCV000682283.12), dbSNP rs534193230, ClinGen allele CA9780041.

ClinVar aggregate classification (germline): Benign/Likely benign. Review status: criteria provided, multiple submitters, no conflicts (2 of 4 stars). 3 submissions from 3 submitters: Benign (1); Likely benign (1). 1 of the submissions does not count toward it. Last evaluated 2025-11-11.

Conditions:
RIN2-related disorder. Also called: RIN2-related condition.

Allele frequency attached by ClinVar (database versions not stated): gnomAD 0.00009 and 0.00011; TOPMed 0.00014; gnomAD exomes 0.00042; ExAC 0.00070; 1000 Genomes Project 0.00080; 1000 Genomes Project 30x 0.00109.
gnomAD v4.1: 101 of 1,586,050 alleles (0.0064%); highest among the groups gnomAD compares: East Asian, 0.19%; 1 homozygote.

Submissions (3):

Labcorp Genetics (formerly Invitae), Labcorp
Classification: Benign. Last evaluated: 2025-11-11. Review status: criteria provided, single submitter. Criteria: Invitae Variant Classification Sherloc (09022015). Collection method: clinical testing. Allele origin: germline.

GeneDx
Classification: Likely benign. Last evaluated: 2018-04-26. Review status: criteria provided, single submitter. Criteria: GeneDx Variant Classification (06012015). Collection method: clinical testing. Allele origin: germline. Affected: yes.
Comment: This variant is considered likely benign or benign based on one or more of the following criteria: it is a conservative change, it occurs at a poorly conserved position in the protein, it is predicted to be benign by multiple in silico algorithms, and/or has population frequency not consistent with disease.

PreventionGenetics, part of Exact Sciences
Classification: Likely benign for RIN2-related condition. Last evaluated: 2019-07-26. Review status: no assertion criteria provided. Collection method: clinical testing. Allele origin: germline. Not counted in ClinVar's aggregate classification.
Comment: This variant is classified as likely benign based on ACMG/AMP sequence variant interpretation guidelines (Richards et al. 2015 PMID: 25741868, with internal and published modifications).